The following is an entry in ClinVar:

ClinVar aggregate classification (germline): Pathogenic. Review status: criteria provided, multiple submitters, no conflicts (2 of 4 stars). 5 submissions from 5 submitters: Pathogenic (3). 2 of the submissions do not count toward it. Last evaluated 2023-10-18.

Conditions:
Von Hippel-Lindau syndrome (VHLS). Also called: Von Hippel-Lindau; VHL syndrome; von Hippel–Lindau syndrome. Identifiers: Orphanet 892, MedGen C0019562, MONDO:0008667, OMIM 193300. Disease mechanism: loss of function.
Chuvash polycythemia. Also called: POLYCYTHEMIA, VHL-DEPENDENT. Identifiers: Orphanet 238557, MedGen C1837915, MONDO:0009892, OMIM 263400.

Allele frequency attached by ClinVar (database versions not stated): gnomAD exomes below 0.00001; ExAC 0.00001.

Submissions (5):

St. Jude Molecular Pathology, St. Jude Children's Research Hospital
Classification: Pathogenic for Von Hippel-Lindau syndrome. Last evaluated: 2023-10-18. Review status: criteria provided, single submitter. Criteria: St. Jude Assertion Criteria 2020. Collection method: clinical testing. Allele origin: germline.
Comment: The VHL c.485G>T (p.Cys162Phe) missense change has a maximum subpopulation frequency of 0.006% in gnomAD v2.1.1. The in silico tool REVEL predicts a deleterious effect on protein function, and functional studies indicate that this variant disrupts VHL protein function and impairs ability to bind to hypoxia-inducible factor (HIF) (PMID: 34004371, 10878807, 11331612, 11865071, 17060462, 19228690). This variant has been reported in individuals and families with Von Hippel Lindau-related cancers (PMID: 9452032, 20064270). In summary, this variant meets criteria to be classified as pathogenic.

Labcorp Genetics (formerly Invitae), Labcorp
Classification: Pathogenic for Von Hippel-Lindau syndrome; Chuvash polycythemia. Last evaluated: 2022-06-27. Review status: criteria provided, single submitter. Criteria: Invitae Variant Classification Sherloc (09022015). Collection method: clinical testing. Allele origin: germline.
Comment: For these reasons, this variant has been classified as Pathogenic. Experimental studies have shown that this missense change affects VHL function (PMID: 10878807, 11331612, 19228690). Advanced modeling of protein sequence and biophysical properties (such as structural, functional, and spatial information, amino acid conservation, physicochemical variation, residue mobility, and thermodynamic stability) performed at Invitae indicates that this missense variant is expected to disrupt VHL protein function. ClinVar contains an entry for this variant (Variation ID: 43604). This variant is also known as c.698G>T. This missense change has been observed in individuals with von Hippel-Lindau syndrome (PMID: 7728151, 9452032, 10458336, 20064270). This variant is not present in population databases (gnomAD no frequency). This sequence change replaces cysteine, which is neutral and slightly polar, with phenylalanine, which is neutral and non-polar, at codon 162 of the VHL protein (p.Cys162Phe).

Women's Health and Genetics/Laboratory Corporation of America, LabCorp
Classification: Pathogenic for Von Hippel-Lindau syndrome. Last evaluated: 2016-02-04. Review status: criteria provided, single submitter. Criteria: LabCorp Variant Classification Summary - May 2015. Collection method: clinical testing. Allele origin: germline.
Comment: Variant summary: This c.485G>T affects a conserved nucleotide, resulting in amino acid change from Cys to Phe in alfa domain of VHL protein. 4/4 in-silico tools predict this variant to be damaging. The residue p.Cys162 is reported to directly contact with elongins and functional assays show that this variant abrogates the binding to elongin/Cul2 (Ohh_1999, Ohh_2000, Hansen_2002). The variant was also shown to abrogate the ubiquitination and binding to HIF and binding to E-cadherin (Ohh_2000, Hansen_2002, Evans_2007). These findings prove that this variant is functionally defective. This variant was found in 1/121234 control chromosomes including the broad and large populations from ExAC at a frequency of 0.0000082, which is lower than the maximal expected frequency of a pathogenic allele (0.0000208). This variant has been found in at least six independent VHL patients/families. One clinical lab (via ClinVar) has classified this variant as pathogenic. Other likely pathogenic variants (namely, p.C162R, p.C162W, and p.C162Y. p.Cys162TrpfsX12, etc.) have also been reported at this p.C162 residue, suggesting that this codon is likely to be a mutational hot-spot. Taken together, this variant has been classified as a Pathogenic.

Genomic Diagnostic Laboratory, Division of Genomic Diagnostics, Children's Hospital of Philadelphia
Classification: Pathogenic for Von Hippel-Lindau syndrome. Last evaluated: 2016-02-26. Review status: no assertion criteria provided. Collection method: clinical testing. Allele origin: germline. Affected: yes. Observed: 5 variant alleles. Not counted in ClinVar's aggregate classification.

Laboratory for Molecular Medicine, Mass General Brigham Personalized Medicine
Classification: Pathogenic for Von Hippel-Lindau syndrome. Last evaluated: 2007-04-18. Review status: no assertion criteria provided. Collection method: clinical testing. Allele origin: germline. Observed: 1 variant allele. Not counted in ClinVar's aggregate classification.

Literature cited by the submitters: PubMed 10878807 (cited by Labcorp Genetics (formerly Invitae), Labcorp and Women's Health and Genetics/Laboratory Corporation of America, LabCorp); PubMed 11331612 (cited by Labcorp Genetics (formerly Invitae), Labcorp); PubMed 19228690 (cited by Labcorp Genetics (formerly Invitae), Labcorp and Women's Health and Genetics/Laboratory Corporation of America, LabCorp); PubMed 7728151 (cited by Labcorp Genetics (formerly Invitae), Labcorp and Women's Health and Genetics/Laboratory Corporation of America, LabCorp); PubMed 9452032 (cited by Labcorp Genetics (formerly Invitae), Labcorp and Women's Health and Genetics/Laboratory Corporation of America, LabCorp); PubMed 10458336 (cited by Labcorp Genetics (formerly Invitae), Labcorp and Women's Health and Genetics/Laboratory Corporation of America, LabCorp); PubMed 20064270 (cited by Labcorp Genetics (formerly Invitae), Labcorp); PubMed 11865071 (cited by Women's Health and Genetics/Laboratory Corporation of America, LabCorp); PubMed 8956040 (cited by Women's Health and Genetics/Laboratory Corporation of America, LabCorp); PubMed 9829911 (cited by Women's Health and Genetics/Laboratory Corporation of America, LabCorp and Laboratory for Molecular Medicine, Mass General Brigham Personalized Medicine); PubMed 10587522 (cited by Women's Health and Genetics/Laboratory Corporation of America, LabCorp); PubMed 18544564 (cited by Women's Health and Genetics/Laboratory Corporation of America, LabCorp); PubMed 17060462 (cited by Women's Health and Genetics/Laboratory Corporation of America, LabCorp); PubMed 18584357 (cited by Women's Health and Genetics/Laboratory Corporation of America, LabCorp).

NM_000551.4(VHL):c.485G>T (p.Cys162Phe)

Genes: VHL (von Hippel-Lindau tumor suppressor; plus strand), LOC107303340 (3p25 von Hippel-Lindau tumor suppressor, E3 ubiquitin protein ligase Alu-mediated recombination region; plus strand). Cytogenetic location: 3p25.3.
Variant type: single nucleotide variant.
Coding change: c.485G>T on transcript NM_000551.4 (MANE Select); coding-DNA position 485, G replaced by T.
Protein change: p.Cys162Phe; replaces cysteine 162 with phenylalanine.
Molecular consequence: missense variant. On other transcripts: 3 prime UTR variant (1).
Genome position (GRCh38, 1-based): chr3:10,149,808, G>T. VCF-style: chr3-10149808-G-T. GRCh37 (hg19) VCF-style: chr3-10191492-G-T.
Other names: c.*39G>T (NM_001354723.2); c.362G>T, p.Cys121Phe (NM_198156.3); short protein forms C162F, C121F.
Identifiers: ClinVar variation 43604 (VCV000043604.11), dbSNP rs397516444, ClinGen allele CA020418.